The following is an entry in ClinVar:

ClinVar aggregate classification (germline): Uncertain significance (1 of 4 stars; one submission).

Allele frequency attached by ClinVar (database versions not stated): gnomAD 0.00001; ExAC 0.00002; gnomAD exomes 0.00002; TOPMed 0.00003; ESP Exome Variant Server 0.00008.
gnomAD v4.1: 30 of 1,614,102 alleles (0.0019%); highest among the groups gnomAD compares: Non-Finnish European, 0.0024%; no homozygotes.

Submission:

ARUP Laboratories, Molecular Genetics and Genomics, ARUP Laboratories
Classification: Uncertain significance. Last evaluated: 2020-04-03. Review status: criteria provided, single submitter. Criteria: ARUP Molecular Germline Variant Investigation Process. Collection method: clinical testing. Allele origin: germline.
Comment: The PIK3CG c.1527C>A, p.Asp509Glu variant (rs140765012), to our knowledge, is not reported in the medical literature or gene specific databases. This variant is found in the general population with an overall allele frequency of 0.002% (identified on 6/251,452 alleles) in the Genome Aggregation Database. The aspartate at codon 509 is highly conserved, but computational analyses (SIFT:damaging, PolyPhen-2:benign) predict conflicting effects of this variant on protein structure/function. Due to limited information, the clinical significance of the p.Asp509Glu variant is uncertain at this time.

NM_001282426.2(PIK3CG):c.1527C>A (p.Asp509Glu)

Gene: PIK3CG (phosphatidylinositol-4,5-bisphosphate 3-kinase catalytic subunit gamma; plus strand). Cytogenetic location: 7q22.3.
Variant type: single nucleotide variant.
Coding change: c.1527C>A on transcript NM_001282426.2 (MANE Select); coding-DNA position 1527, C replaced by A.
Protein change: p.Asp509Glu; replaces aspartic acid 509 with glutamic acid.
Molecular consequence: missense variant.
Genome position (GRCh38, 1-based): chr7:106,869,088, C>A. VCF-style: chr7-106869088-C-A. GRCh37 (hg19) VCF-style: chr7-106509533-C-A.
Other names: c.1527C>A, p.Asp509Glu (NM_001282427.2, NM_002649.3); short protein forms D509E.
Identifiers: ClinVar variation 994078 (VCV000994078.8), dbSNP rs140765012, ClinGen allele CA4429384.